The following is an entry in ClinVar:

ClinVar aggregate classification (germline): Uncertain significance (1 of 4 stars; one submission).

Submission:

Labcorp Genetics (formerly Invitae), Labcorp
Classification: Uncertain significance. Last evaluated: 2022-05-12. Review status: criteria provided, single submitter. Criteria: Invitae Variant Classification Sherloc (09022015). Collection method: clinical testing. Allele origin: germline.
Comment: This sequence change replaces threonine, which is neutral and polar, with isoleucine, which is neutral and non-polar, at codon 170 of the MUT protein (p.Thr170Ile). This variant is not present in population databases (gnomAD no frequency). This variant has not been reported in the literature in individuals affected with MUT-related conditions. Algorithms developed to predict the effect of missense changes on protein structure and function are either unavailable or do not agree on the potential impact of this missense change (SIFT: "Tolerated"; PolyPhen-2: "Possibly Damaging"; Align-GVGD: "Class C0"). In summary, the available evidence is currently insufficient to determine the role of this variant in disease. Therefore, it has been classified as a Variant of Uncertain Significance.

NM_000255.4(MMUT):c.509C>T (p.Thr170Ile)

Gene: MMUT (methylmalonyl-CoA mutase; minus strand). Cytogenetic location: 6p12.3.
Variant type: single nucleotide variant.
Coding change: c.509C>T on transcript NM_000255.4 (MANE Select); coding-DNA position 509, C replaced by T.
Protein change: p.Thr170Ile; replaces threonine 170 with isoleucine.
Molecular consequence: missense variant.
Genome position (GRCh38, 1-based): chr6:49,457,935, G>A on the plus strand (C>T on the coding strand, the complement: MMUT is on the minus strand). VCF-style: chr6-49457935-G-A. GRCh37 (hg19) VCF-style: chr6-49425648-G-A.
Other names: short protein forms T170I.
Identifiers: ClinVar variation 2177415 (VCV002177415.1), dbSNP rs2127420023, ClinGen allele CA364404576.